The following is an entry in ClinVar:

ClinVar aggregate classification (germline): Uncertain significance (1 of 4 stars; one submission).

Conditions:
Hereditary cancer-predisposing syndrome. Also called: Neoplastic Syndromes, Hereditary; Tumor predisposition; Hereditary neoplastic syndrome; Hereditary Cancer Syndrome. Identifiers: Orphanet 140162, MedGen C0027672, MeSH D009386, MONDO:0015356.

Submission:

Ambry Genetics
Classification: Uncertain significance for Hereditary cancer-predisposing syndrome. Last evaluated: 2023-01-25. Review status: criteria provided, single submitter. Criteria: Ambry Variant Classification Scheme 2023. Collection method: clinical testing. Allele origin: germline.
Comment: The c.6865_6866delTTinsAG variant (also known as p.L2289R), located in coding exon 11 of the BRCA2 gene, results from an in-frame deletion of TT and insertion of AG at nucleotide positions 6865 to 6866. This results in the substitution of the leucine residue for an arginine residue at codon 2289, an amino acid with dissimilar properties. This amino acid position is highly conserved in available vertebrate species. In addition, this alteration is predicted to be neutral by in silico analysis (Choi Y et al. PLoS ONE. 2012; 7(10):e46688). Since supporting evidence is limited at this time, the clinical significance of this alteration remains unclear.

NM_000059.4(BRCA2):c.6865_6866delinsAG (p.Leu2289Arg)

Gene: BRCA2 (BRCA2 DNA repair associated; plus strand). Cytogenetic location: 13q13.1.
Variant type: Indel.
Coding change: c.6865_6866delinsAG on transcript NM_000059.4 (MANE Select); coding-DNA positions 6865 to 6866, TT replaced by AG.
Protein change: p.Leu2289Arg; replaces leucine 2289 with arginine.
Molecular consequence: missense variant. On other transcripts: non-coding transcript variant (1), intron variant (1).
Genome position (GRCh38, 1-based): chr13:32,344,581-32,344,582, TT replaced by AG. VCF-style: chr13-32344581-TT-AG. GRCh37 (hg19) VCF-style: chr13-32918718-TT-AG.
Other names: c.6865_6866delinsAG, p.Leu2289Arg (NM_001406720.1); c.1933_1934delinsAG, p.Leu645Arg (NM_001406721.1); c.448_449delinsAG, p.Leu150Arg (NM_001406722.1); c.6842-2246_6842-2245delinsAG (NM_001406719.1); short protein forms L150R, L2289R, L645R.
Identifiers: ClinVar variation 2451538 (VCV002451538.2), dbSNP rs2548535976, ClinGen allele CA2580088082.